The following is an entry in ClinVar:

NM_000059.4(BRCA2):c.6960G>T (p.Leu2320Phe)

Gene: BRCA2 (BRCA2 DNA repair associated; plus strand). Cytogenetic location: 13q13.1.
Variant type: single nucleotide variant.
Coding change: c.6960G>T on transcript NM_000059.4 (MANE Select); coding-DNA position 6960, G replaced by T.
Protein change: p.Leu2320Phe; replaces leucine 2320 with phenylalanine.
Molecular consequence: missense variant.
Genome position (GRCh38, 1-based): chr13:32,346,849, G>T. VCF-style: chr13-32346849-G-T. GRCh37 (hg19) VCF-style: chr13-32920986-G-T.
Other names: short protein forms L2320F.
Identifiers: ClinVar variation 1330019 (VCV001330019.8), dbSNP rs373134168, ClinGen allele CA387793005.
Genomic context (GRCh38, chr13:32,346,849, plus strand): 5'-TTTTAACTAATATGTAATATAAAATAATTGTTTCCTAGGCACAATAAAAGATCGAAGATT[G>T]TTTATGCATCATGTTTCTTTAGAGCCGATTACCTGTGTACCCTTTCGGTAAGACATGTTT-3'
Protein context (NP_000050.3, residues 2310-2330): TPDGTIKDRR[Leu2320Phe]FMHHVSLEPI

ClinVar aggregate classification (germline): Uncertain significance. Review status: criteria provided, multiple submitters, no conflicts (2 of 4 stars). 3 submissions from 3 submitters: Uncertain significance (3). Last evaluated 2023-06-08.

Conditions:
Hereditary cancer-predisposing syndrome. Also called: Hereditary Cancer Syndrome; Tumor predisposition; Neoplastic Syndromes, Hereditary; Hereditary neoplastic syndrome. Identifiers: Orphanet 140162, MedGen C0027672, MeSH D009386, MONDO:0015356.
Hereditary breast ovarian cancer syndrome. Also called: Hereditary breast and ovarian cancer syndrome; Hereditary breast and ovarian cancer; Hereditary breast and ovarian cancer syndrome (HBOC); BRCA1- and BRCA2-Associated Hereditary Breast and Ovarian Cancer; Hereditary breast and/or ovarian cancer syndrome; Breast and ovarian cancer. Identifiers: Orphanet 145, MedGen C0677776, MeSH D061325, MONDO:0003582. Disease mechanism: loss of function.

Submissions (3):

Ambry Genetics
Classification: Uncertain significance for Hereditary cancer-predisposing syndrome. Last evaluated: 2023-06-08. Review status: criteria provided, single submitter. Criteria: Ambry Variant Classification Scheme 2023. Collection method: clinical testing. Allele origin: germline.
Comment: The p.L2320F variant (also known as c.6960G>T), located in coding exon 12 of the BRCA2 gene, results from a G to T substitution at nucleotide position 6960. The leucine at codon 2320 is replaced by phenylalanine, an amino acid with highly similar properties. This amino acid position is not well conserved in available vertebrate species. In addition, the in silico prediction for this alteration is inconclusive. Since supporting evidence is limited at this time, the clinical significance of this alteration remains unclear.

Labcorp Genetics (formerly Invitae), Labcorp
Classification: Uncertain significance for Hereditary breast ovarian cancer syndrome. Last evaluated: 2021-08-11. Review status: criteria provided, single submitter. Criteria: Invitae Variant Classification Sherloc (09022015). Collection method: clinical testing. Allele origin: germline.
Comment: This sequence change replaces leucine with phenylalanine at codon 2320 of the BRCA2 protein (p.Leu2320Phe). The leucine residue is weakly conserved and there is a small physicochemical difference between leucine and phenylalanine. This variant is not present in population databases (ExAC no frequency). In summary, the available evidence is currently insufficient to determine the role of this variant in disease. Therefore, it has been classified as a Variant of Uncertain Significance. Advanced modeling of protein sequence and biophysical properties (such as structural, functional, and spatial information, amino acid conservation, physicochemical variation, residue mobility, and thermodynamic stability) performed at Invitae indicates that this missense variant is not expected to disrupt BRCA2 protein function. This variant has not been reported in the literature in individuals affected with BRCA2-related conditions.

Quest Diagnostics Nichols Institute San Juan Capistrano
Classification: Uncertain significance. Last evaluated: 2020-11-08. Review status: criteria provided, single submitter. Criteria: Quest Diagnostics criteria. Collection method: clinical testing. Allele origin: unknown.